The following is an entry in ClinVar:

NM_007186.6(CEP250):c.5014G>C (p.Asp1672His)

Gene: CEP250 (centrosomal protein 250; plus strand). Cytogenetic location: 20q11.22.
Variant type: single nucleotide variant.
Coding change: c.5014G>C on transcript NM_007186.6 (MANE Select); coding-DNA position 5014, G replaced by C.
Protein change: p.Asp1672His; replaces aspartic acid 1672 with histidine.
Molecular consequence: missense variant.
Genome position (GRCh38, 1-based): chr20:35,503,383, G>C. VCF-style: chr20-35503383-G-C. GRCh37 (hg19) VCF-style: chr20-34091211-G-C.
Other names: c.3118G>C, p.Asp1040His (NM_001318219.1); short protein forms D1672H, D1040H.
Identifiers: ClinVar variation 2106613 (VCV002106613.4), dbSNP rs1406406712, ClinGen allele CA408750171.

ClinVar aggregate classification (germline): Uncertain significance (1 of 4 stars; one submission).

Submission:

Labcorp Genetics (formerly Invitae), Labcorp
Classification: Uncertain significance. Last evaluated: 2022-05-18. Review status: criteria provided, single submitter. Criteria: Invitae Variant Classification Sherloc (09022015). Collection method: clinical testing. Allele origin: germline.
Comment: This sequence change replaces aspartic acid, which is acidic and polar, with histidine, which is basic and polar, at codon 1672 of the CEP250 protein (p.Asp1672His). In summary, the available evidence is currently insufficient to determine the role of this variant in disease. Therefore, it has been classified as a Variant of Uncertain Significance. Algorithms developed to predict the effect of missense changes on protein structure and function are either unavailable or do not agree on the potential impact of this missense change (SIFT: "Not Available"; PolyPhen-2: "Probably Damaging"; Align-GVGD: "Not Available"). This variant has not been reported in the literature in individuals affected with CEP250-related conditions. This variant is not present in population databases (gnomAD no frequency).